The following is an entry in ClinVar:

NM_006030.4(CACNA2D2):c.1701+6C>G

Gene: CACNA2D2 (calcium voltage-gated channel auxiliary subunit alpha2delta 2; minus strand). Cytogenetic location: 3p21.31.
Variant type: single nucleotide variant.
Coding change: c.1701+6C>G on transcript NM_006030.4 (MANE Select); 6 bases into the intron after coding-DNA position 1701, C replaced by G.
Molecular consequence: intron variant.
Genome position (GRCh38, 1-based): chr3:50,376,108, G>C on the plus strand (C>G on the coding strand, the complement: CACNA2D2 is on the minus strand). VCF-style: chr3-50376108-G-C. GRCh37 (hg19) VCF-style: chr3-50413539-G-C.
Other names: c.1494+6C>G (NM_001291101.1); c.1701+6C>G (NM_001005505.3, NM_001174051.3).
Identifiers: ClinVar variation 1932105 (VCV001932105.5), dbSNP rs2471018305, ClinGen allele CA2577814706.

ClinVar aggregate classification (germline): Uncertain significance (1 of 4 stars; one submission).

Conditions:
Early-infantile DEE. Also called: Ohtahara syndrome; Early infantile epileptic encephalopathy; Early infantile epileptic encephalopathy with suppression bursts. Identifiers: Orphanet 1934, MedGen C0393706, MONDO:0800491.

Submission:

Labcorp Genetics (formerly Invitae), Labcorp
Classification: Uncertain significance for Early-infantile DEE. Last evaluated: 2024-01-29. Review status: criteria provided, single submitter. Criteria: Invitae Variant Classification Sherloc (09022015). Collection method: clinical testing. Allele origin: germline.
Comment: This sequence change falls in intron 18 of the CACNA2D2 gene. It does not directly change the encoded amino acid sequence of the CACNA2D2 protein. It affects a nucleotide within the consensus splice site. This variant is not present in population databases (gnomAD no frequency). This variant has not been reported in the literature in individuals affected with CACNA2D2-related conditions. ClinVar contains an entry for this variant (Variation ID: 1932105). Variants that disrupt the consensus splice site are a relatively common cause of aberrant splicing (PMID: 17576681, 9536098). Algorithms developed to predict the effect of sequence changes on RNA splicing suggest that this variant is not likely to affect RNA splicing. In summary, the available evidence is currently insufficient to determine the role of this variant in disease. Therefore, it has been classified as a Variant of Uncertain Significance.

Literature cited by the submitters: PubMed 17576681; PubMed 9536098.